The following is an entry in ClinVar:

ClinVar aggregate classification (germline): Uncertain significance (1 of 4 stars; one submission).

Conditions:
Erythrocytosis, familial, 3 (ECYT3). Identifiers: Orphanet 247511, MedGen C1853286, MONDO:0012353, OMIM 609820.

gnomAD v4.1: 2 of 1,555,474 alleles (0.00013%); highest among the groups gnomAD compares: Non-Finnish European, 0.00017%; no homozygotes.

Submission:

Labcorp Genetics (formerly Invitae), Labcorp
Classification: Uncertain significance for Erythrocytosis, familial, 3. Last evaluated: 2025-11-14. Review status: criteria provided, single submitter. Criteria: Invitae Variant Classification Sherloc (09022015). Collection method: clinical testing. Allele origin: germline.
Comment: This sequence change replaces tyrosine, which is neutral and polar, with cysteine, which is neutral and slightly polar, at codon 41 of the EGLN1 protein (p.Tyr41Cys). This variant is not present in population databases (gnomAD no frequency). This missense change has been observed in individual(s) with erythrocytosis (PMID: 29790589, 37317877). An algorithm developed to predict the effect of missense changes on protein structure and function (PolyPhen-2) suggests that this variant is likely to be disruptive. Experimental studies have shown that this missense change affects EGLN1 function (PMID: 30111608, 37317877). This variant disrupts the p.Tyr41 amino acid residue in EGLN1. Other variant(s) that disrupt this residue have been observed in individuals with EGLN1-related conditions (PMID: 38568374), which suggests that this may be a clinically significant amino acid residue. In summary, the available evidence is currently insufficient to determine the role of this variant in disease. Therefore, it has been classified as a Variant of Uncertain Significance.

Literature cited by the submitters: PubMed 29790589; PubMed 37317877; PubMed 30111608; PubMed 38568374.

NM_022051.3(EGLN1):c.122A>G (p.Tyr41Cys)

Gene: EGLN1 (egl-9 family hypoxia inducible factor 1; minus strand). Cytogenetic location: 1q42.2.
Variant type: single nucleotide variant.
Coding change: c.122A>G on transcript NM_022051.3 (MANE Select); coding-DNA position 122, A replaced by G.
Protein change: p.Tyr41Cys; replaces tyrosine 41 with cysteine.
Molecular consequence: missense variant.
Genome position (GRCh38, 1-based): chr1:231,421,767, T>C on the plus strand (A>G on the coding strand, the complement: EGLN1 is on the minus strand). VCF-style: chr1-231421767-T-C. GRCh37 (hg19) VCF-style: chr1-231557513-T-C.
Other names: c.122A>G, p.Tyr41Cys (NM_001377260.1, NM_001377261.1); short protein forms Y41C.
Identifiers: ClinVar variation 4692880 (VCV004692880.1).